The following is an entry in ClinVar:

ClinVar aggregate classification (germline): Uncertain significance. Review status: criteria provided, multiple submitters, no conflicts (2 of 4 stars). 5 submissions from 5 submitters: Uncertain significance (4). 1 of the submissions does not count toward it. Last evaluated 2025-02-26.

Conditions:
Hereditary insensitivity to pain with anhidrosis (CIPA). Also called: NEUROPATHY, CONGENITAL SENSORY, WITH ANHIDROSIS; NTRK1 Congenital Insensitivity to Pain with Anhidrosis; INSENSITIVITY TO PAIN, CONGENITAL, WITH ANHIDROSIS; FAMILIAL DYSAUTONOMIA, TYPE II; hereditary sensory and autonomic neuropathy type 4; HSAN Type IV. Identifiers: Orphanet 642, MedGen C0020074, MONDO:0009746, OMIM 256800.
Familial medullary thyroid carcinoma (MTC). Also called: Familial Medullary Thyroid Carcinoma (FMTC); Thyroid cancer, familial medullary; MTC, familial. Identifiers: Orphanet 653, Orphanet 99361, MedGen C1833921, MONDO:0007958, OMIM 155240.

Allele frequency attached by ClinVar (database versions not stated): gnomAD exomes 0.00003 and 0.00006; gnomAD 0.00004; TOPMed 0.00005; ESP Exome Variant Server 0.00008; ExAC 0.00012; 1000 Genomes Project 30x 0.00016; 1000 Genomes Project 0.00020.
gnomAD v4.1: 53 of 1,575,974 alleles (0.0034%); highest among the groups gnomAD compares: Middle Eastern, 0.017%; no homozygotes.

Submissions (5):

GeneDx
Classification: Uncertain significance. Last evaluated: 2025-02-26. Review status: criteria provided, single submitter. Criteria: GeneDx Variant Classification Process June 2021. Collection method: clinical testing. Allele origin: germline. Affected: yes.
Comment: In silico analysis supports that this missense variant has a deleterious effect on protein structure/function; Has not been previously published as pathogenic or benign to our knowledge

Genome-Nilou Lab
Classification: Uncertain significance for Hereditary insensitivity to pain with anhidrosis. Last evaluated: 2023-04-11. Review status: criteria provided, single submitter. Criteria: ACMG Guidelines, 2015. Collection method: clinical testing. Allele origin: germline. Affected: no.

Labcorp Genetics (formerly Invitae), Labcorp
Classification: Uncertain significance for Hereditary insensitivity to pain with anhidrosis. Last evaluated: 2022-10-25. Review status: criteria provided, single submitter. Criteria: Invitae Variant Classification Sherloc (09022015). Collection method: clinical testing. Allele origin: germline.
Comment: This sequence change replaces threonine, which is neutral and polar, with methionine, which is neutral and non-polar, at codon 735 of the NTRK1 protein (p.Thr735Met). This variant is present in population databases (rs145081333, gnomAD 0.01%). This variant has not been reported in the literature in individuals affected with NTRK1-related conditions. ClinVar contains an entry for this variant (Variation ID: 452208). Advanced modeling of protein sequence and biophysical properties (such as structural, functional, and spatial information, amino acid conservation, physicochemical variation, residue mobility, and thermodynamic stability) performed at Invitae indicates that this missense variant is not expected to disrupt NTRK1 protein function. In summary, the available evidence is currently insufficient to determine the role of this variant in disease. Therefore, it has been classified as a Variant of Uncertain Significance.

Fulgent Genetics
Classification: Uncertain significance for Familial medullary thyroid carcinoma; Hereditary insensitivity to pain with anhidrosis. Last evaluated: 2018-10-31. Review status: criteria provided, single submitter. Criteria: ACMG Guidelines, 2015. Collection method: clinical testing. Allele origin: unknown.

Natera, Inc.
Classification: Uncertain significance for Hereditary insensitivity to pain with anhidrosis. Last evaluated: 2020-09-16. Review status: no assertion criteria provided. Collection method: clinical testing. Allele origin: germline. Not counted in ClinVar's aggregate classification.

NM_002529.4(NTRK1):c.2222C>T (p.Thr741Met)

Gene: NTRK1 (neurotrophic receptor tyrosine kinase 1; plus strand). Cytogenetic location: 1q23.1.
Variant type: single nucleotide variant.
Coding change: c.2222C>T on transcript NM_002529.4 (MANE Select); coding-DNA position 2222, C replaced by T.
Protein change: p.Thr741Met; replaces threonine 741 with methionine.
Molecular consequence: missense variant.
Genome position (GRCh38, 1-based): chr1:156,881,473, C>T. VCF-style: chr1-156881473-C-T. GRCh37 (hg19) VCF-style: chr1-156851265-C-T.
Other names: c.2114C>T, p.Thr705Met (NM_001007792.1); c.2204C>T, p.Thr735Met (NM_001012331.2); short protein forms T705M, T735M, T741M.
Identifiers: ClinVar variation 452208 (VCV000452208.8), dbSNP rs145081333, ClinGen allele CA1169606.